The following is an entry in ClinVar:

ClinVar aggregate classification (germline): Uncertain significance (1 of 4 stars; one submission).

Allele frequency attached by ClinVar (database versions not stated): gnomAD exomes below 0.00001; ExAC 0.00001; ESP Exome Variant Server 0.00008.
gnomAD v4.1: 2 of 1,614,204 alleles (0.00012%); highest among the groups gnomAD compares: Non-Finnish European, 0.00017%; no homozygotes.

Submission:

Labcorp Genetics (formerly Invitae), Labcorp
Classification: Uncertain significance. Last evaluated: 2022-09-23. Review status: criteria provided, single submitter. Criteria: Invitae Variant Classification Sherloc (09022015). Collection method: clinical testing. Allele origin: germline.
Comment: This variant is present in population databases (rs374441915, gnomAD 0.007%). This sequence change replaces threonine, which is neutral and polar, with isoleucine, which is neutral and non-polar, at codon 3216 of the KMT2A protein (p.Thr3216Ile). This variant has not been reported in the literature in individuals affected with KMT2A-related conditions. Advanced modeling of protein sequence and biophysical properties (such as structural, functional, and spatial information, amino acid conservation, physicochemical variation, residue mobility, and thermodynamic stability) performed at Invitae indicates that this missense variant is not expected to disrupt KMT2A protein function. In summary, the available evidence is currently insufficient to determine the role of this variant in disease. Therefore, it has been classified as a Variant of Uncertain Significance.

NM_001197104.2(KMT2A):c.9647C>T (p.Thr3216Ile)

Gene: KMT2A (lysine methyltransferase 2A; plus strand). Cytogenetic location: 11q23.3.
Variant type: single nucleotide variant.
Coding change: c.9647C>T on transcript NM_001197104.2 (MANE Select); coding-DNA position 9647, C replaced by T.
Protein change: p.Thr3216Ile; replaces threonine 3216 with isoleucine.
Molecular consequence: missense variant.
Genome position (GRCh38, 1-based): chr11:118,505,539, C>T. VCF-style: chr11-118505539-C-T. GRCh37 (hg19) VCF-style: chr11-118376254-C-T.
Other names: c.9737C>T, p.Thr3246Ile (NM_001412597.1); c.9638C>T, p.Thr3213Ile (NM_005933.4); short protein forms T3213I, T3216I, T3246I.
Identifiers: ClinVar variation 1960009 (VCV001960009.5), dbSNP rs374441915, ClinGen allele CA6304624.
Genomic context (GRCh38, chr11:118,505,539, plus strand): 5'-ATCCCCAACTTTTGGTTTCAGAATCCAGCCAGAGGACAGACCTCAGTACCACAGTAGCCA[C>T]TCCATCCTCTGGACTCAAGAAAAGACCCATATCTCGTCTACAGACCCGAAAGAATAAAAA-3'
Protein context (NP_001184033.1, residues 3206-3226): QRTDLSTTVA[Thr3216Ile]PSSGLKKRPI